The following is an entry in ClinVar:

NM_000038.6(APC):c.1958+36G>T

Gene: APC (APC regulator of Wnt signaling pathway; plus strand). Cytogenetic location: 5q22.2.
Variant type: single nucleotide variant.
Coding change: c.1958+36G>T on transcript NM_000038.6 (MANE Select); 36 bases into the intron after coding-DNA position 1958, G replaced by T.
Molecular consequence: intron variant.
Genome position (GRCh38, 1-based): chr5:112,835,201, G>T. VCF-style: chr5-112835201-G-T. GRCh37 (hg19) VCF-style: chr5-112170898-G-T.
Other names: c.1109+36G>T (NM_001407470.1, NM_001354906.2); c.806+36G>T (NM_001407472.1, NM_001407471.1); c.2012+36G>T (NM_001407447.1, NM_001407448.1, NM_001407449.1 and 1 more transcripts); c.1958+36G>T (NM_001354895.2, NM_001407450.1, NM_001127510.3); c.1709+36G>T (NM_001407456.1, NM_001407457.1, NM_001407455.1 and 1 more transcripts); c.1655+36G>T (NM_001407460.1, NM_001407458.1, NM_001407459.1 and 1 more transcripts); c.1928+36G>T (NM_001407452.1); c.1571+36G>T (NM_001407469.1, NM_001407467.1); and 11 more.
Identifiers: ClinVar variation 3148746 (VCV003148746.1), dbSNP rs201721607, ClinGen allele CA030175.

ClinVar aggregate classification (germline): Benign (1 of 4 stars; one submission).

Conditions:
Familial adenomatous polyposis 1 (FAP1). Also called: POLYPOSIS, ADENOMATOUS INTESTINAL; FAMILIAL ADENOMATOUS POLYPOSIS 1, ATTENUATED. Identifiers: MedGen C2713442, MONDO:0021056, OMIM 175100. Disease mechanism: loss of function.

Allele frequency attached by ClinVar (database versions not stated): gnomAD exomes 0.00010; ExAC 0.00034; gnomAD 0.00082; TOPMed 0.00095; ESP Exome Variant Server 0.00100; 1000 Genomes Project 30x 0.00141; 1000 Genomes Project 0.00160.
gnomAD v4.1: 259 of 1,543,084 alleles (0.017%); highest among the groups gnomAD compares: African/African-American, 0.29%; 1 homozygote.

Submission:

Myriad Genetics, Inc.
Classification: Benign for Familial adenomatous polyposis 1. Last evaluated: 2024-03-08. Review status: criteria provided, single submitter. Criteria: Myriad Autosomal Dominant, Autosomal Recessive and X-Linked Classification Criteria (2023). Collection method: clinical testing. Allele origin: unknown.
Comment: This variant is considered benign. This variant is intronic and is not expected to impact mRNA splicing.